The following is an entry in ClinVar:

NM_001035.3(RYR2):c.10323+19T>A

Gene: RYR2 (ryanodine receptor 2; plus strand). Cytogenetic location: 1q43.
Variant type: single nucleotide variant.
Coding change: c.10323+19T>A on transcript NM_001035.3 (MANE Select); 19 bases into the intron after coding-DNA position 10323, T replaced by A.
Molecular consequence: intron variant.
Genome position (GRCh38, 1-based): chr1:237,711,856, T>A. VCF-style: chr1-237711856-T-A. GRCh37 (hg19) VCF-style: chr1-237875156-T-A.
Other names: c.10323+19T>A (LRG_402t1).
Identifiers: ClinVar variation 514519 (VCV000514519.12), dbSNP rs765263725, ClinGen allele CA084269.

ClinVar aggregate classification (germline): Likely benign. Review status: criteria provided, multiple submitters, no conflicts (2 of 4 stars). 4 submissions from 4 submitters: Likely benign (4). Last evaluated 2025-12-10.

Conditions:
Catecholaminergic polymorphic ventricular tachycardia 1. Also called: RYR2-Related Catecholaminergic Polymorphic Ventricular Tachycardia; VENTRICULAR TACHYCARDIA, STRESS-INDUCED POLYMORPHIC 1; VENTRICULAR TACHYCARDIA, CATECHOLAMINERGIC POLYMORPHIC, 1, WITH OR WITHOUT ATRIAL DYSFUNCTION AND/OR DILATED CARDIOMYOPATHY. Identifiers: Orphanet 3286, MedGen C1631597, MONDO:0011484, OMIM 604772.

Allele frequency attached by ClinVar (database versions not stated): gnomAD 0.00001; TOPMed 0.00002; gnomAD exomes 0.00003 and 0.00005; ExAC 0.00004.
gnomAD v4.1: 50 of 1,122,100 alleles (0.0045%); highest among the groups gnomAD compares: Non-Finnish European, 0.006%; no homozygotes.

Submissions (4):

Labcorp Genetics (formerly Invitae), Labcorp
Classification: Likely benign for Catecholaminergic polymorphic ventricular tachycardia 1. Last evaluated: 2025-12-10. Review status: criteria provided, single submitter. Criteria: Invitae Variant Classification Sherloc (09022015). Collection method: clinical testing. Allele origin: germline.

Women's Health and Genetics/Laboratory Corporation of America, LabCorp
Classification: Likely benign. Last evaluated: 2025-11-14. Review status: criteria provided, single submitter. Criteria: LabCorp Variant Classification Summary - May 2015. Collection method: clinical testing. Allele origin: germline.

Blueprint Genetics
Classification: Likely benign. Last evaluated: 2024-10-14. Review status: criteria provided, single submitter. Criteria: ACMG Guidelines, 2015. Collection method: clinical testing. Allele origin: germline.

GeneDx
Classification: Likely benign. Last evaluated: 2018-01-12. Review status: criteria provided, single submitter. Criteria: GeneDx Variant Classification (06012015). Collection method: clinical testing. Allele origin: germline. Affected: yes.
Comment: This variant is considered likely benign or benign based on one or more of the following criteria: it is a conservative change, it occurs at a poorly conserved position in the protein, it is predicted to be benign by multiple in silico algorithms, and/or has population frequency not consistent with disease.